The following is an entry in ClinVar:

ClinVar aggregate classification (germline): Likely pathogenic (1 of 4 stars; one submission).

Submission:

Labcorp Genetics (formerly Invitae), Labcorp
Classification: Likely pathogenic. Last evaluated: 2024-01-08. Review status: criteria provided, single submitter. Criteria: Invitae Variant Classification Sherloc (09022015). Collection method: clinical testing. Allele origin: unknown.
Comment: This variant results in the deletion of exon 3 and part of exon 4 (c.242-20_794delins68) of the GATA3 gene. It is expected to disrupt RNA splicing. Variants that disrupt the donor or acceptor splice site typically lead to a loss of protein function (PMID: 16199547), and loss-of-function variants in GATA3 are known to be pathogenic (PMID: 14985365, 21242646). This variant has not been reported in the literature in individuals affected with GATA3-related conditions. In summary, the currently available evidence indicates that the variant is pathogenic, but additional data are needed to prove that conclusively. Therefore, this variant has been classified as Likely Pathogenic.

Literature cited by the submitters: PubMed 16199547; PubMed 14985365; PubMed 21242646.

NC_000010.10:g.(?_8100248)_(8105971_?)del

Gene: GATA3 (GATA binding protein 3; plus strand). Cytogenetic location: 10p14.
Variant type: Deletion.
Identifiers: ClinVar variation 3244954 (VCV003244954.1).